The following is an entry in ClinVar:

NM_030928.4(CDT1):c.1541G>A (p.Arg514His)

Gene: CDT1 (chromatin licensing and DNA replication factor 1; plus strand). Cytogenetic location: 16q24.3.
Variant type: single nucleotide variant.
Coding change: c.1541G>A on transcript NM_030928.4 (MANE Select); coding-DNA position 1541, G replaced by A.
Protein change: p.Arg514His; replaces arginine 514 with histidine.
Molecular consequence: missense variant.
Genome position (GRCh38, 1-based): chr16:88,808,178, G>A. VCF-style: chr16-88808178-G-A. GRCh37 (hg19) VCF-style: chr16-88874586-G-A.
Other names: c.1541G>A (NM_030928.3); short protein forms R514H.
Identifiers: ClinVar variation 1487686 (VCV001487686.18), dbSNP rs754064981, ClinGen allele CA8234228.
Genomic context (GRCh38, chr16:88,808,178, plus strand): 5'-AAATGGAGAAGCACCTGCTGCTCCTCTCCGAGCTGCTGCCGGACTGGCTCAGCCTCCACC[G>A]CATCCGCACCGACACCTACGTCAAGCTGGACAAGGCCGCGGACCTCGCCCACATCACTGC-3'
Protein context (NP_112190.2, residues 504-524): ELLPDWLSLH[Arg514His]IRTDTYVKLD

ClinVar aggregate classification (germline): Conflicting classifications of pathogenicity. Review status: criteria provided, conflicting classifications (1 of 4 stars). 3 submissions from 3 submitters: Uncertain significance (2); Likely benign (1). Last evaluated 2024-12-07.

Conditions:
Inborn genetic diseases. Identifiers: MedGen C0950123, MeSH D030342.

Allele frequency attached by ClinVar (database versions not stated): ExAC 0.00002; gnomAD 0.00007 and 0.00008; TOPMed 0.00007.

Submissions (3):

Ambry Genetics
Classification: Likely benign for Inborn genetic diseases. Last evaluated: 2024-12-07. Review status: criteria provided, single submitter. Criteria: Ambry Variant Classification Scheme 2023. Collection method: clinical testing. Allele origin: germline.

CeGaT Center for Human Genetics Tuebingen
Classification: Uncertain significance. Last evaluated: 2024-09-01. Review status: criteria provided, single submitter. Criteria: CeGaT Center For Human Genetics Tuebingen Variant Classification Criteria Version 2. Collection method: clinical testing. Allele origin: germline. Affected: yes. Observed: 1 variant allele.
Comment: CDT1: PM2, BP4

Labcorp Genetics (formerly Invitae), Labcorp
Classification: Uncertain significance. Last evaluated: 2022-06-13. Review status: criteria provided, single submitter. Criteria: Invitae Variant Classification Sherloc (09022015). Collection method: clinical testing. Allele origin: germline.
Comment: This sequence change replaces arginine, which is basic and polar, with histidine, which is basic and polar, at codon 514 of the CDT1 protein (p.Arg514His). This variant is present in population databases (rs754064981, gnomAD 0.02%). This variant has not been reported in the literature in individuals affected with CDT1-related conditions. Algorithms developed to predict the effect of missense changes on protein structure and function output the following: SIFT: "Tolerated"; PolyPhen-2: "Benign"; Align-GVGD: "Class C0". The histidine amino acid residue is found in multiple mammalian species, which suggests that this missense change does not adversely affect protein function. In summary, the available evidence is currently insufficient to determine the role of this variant in disease. Therefore, it has been classified as a Variant of Uncertain Significance.